The following is an entry in ClinVar:

NM_170606.3(KMT2C):c.9650G>C (p.Arg3217Pro)

Gene: KMT2C (lysine methyltransferase 2C; minus strand). Cytogenetic location: 7q36.1.
Variant type: single nucleotide variant.
Coding change: c.9650G>C on transcript NM_170606.3 (MANE Select); coding-DNA position 9650, G replaced by C.
Protein change: p.Arg3217Pro; replaces arginine 3217 with proline.
Molecular consequence: missense variant.
Genome position (GRCh38, 1-based): chr7:152,167,246, C>G on the plus strand (G>C on the coding strand, the complement: KMT2C is on the minus strand). VCF-style: chr7-152167246-C-G. GRCh37 (hg19) VCF-style: chr7-151864331-C-G.
Other names: short protein forms R3217P.
Identifiers: ClinVar variation 4755936 (VCV004755936.1).

ClinVar aggregate classification (germline): Uncertain significance (1 of 4 stars; one submission).

Submission:

GeneDx
Classification: Uncertain significance. Last evaluated: 2025-08-06. Review status: criteria provided, single submitter. Criteria: GeneDx Variant Classification Process June 2021. Collection method: clinical testing. Allele origin: germline. Affected: yes.
Comment: Not observed at significant frequency in large population cohorts (gnomAD); In silico analysis supports that this missense variant has a deleterious effect on protein structure/function; Has not been previously published as pathogenic or benign to our knowledge.